The following is an entry in ClinVar:

ClinVar aggregate classification (germline): Uncertain significance (1 of 4 stars; one submission).

gnomAD v4.1: 2 of 1,613,556 alleles (0.00012%); highest among the groups gnomAD compares: Non-Finnish European, 0.00017%; no homozygotes.

Submission:

GeneDx
Classification: Uncertain significance. Last evaluated: 2025-06-25. Review status: criteria provided, single submitter. Criteria: GeneDx Variant Classification Process June 2021. Collection method: clinical testing. Allele origin: germline. Affected: yes.
Comment: Not observed at significant frequency in large population cohorts (gnomAD); In silico analysis supports that this missense variant has a deleterious effect on protein structure/function; Has not been previously published as pathogenic or benign to our knowledge

NM_001394062.1(MACF1):c.13501C>A (p.Gln4501Lys)

Gene: MACF1 (microtubule actin crosslinking factor 1; plus strand). Cytogenetic location: 1p34.3.
Variant type: single nucleotide variant.
Coding change: c.13501C>A on transcript NM_001394062.1 (MANE Select); coding-DNA position 13501, C replaced by A.
Protein change: p.Gln4501Lys; replaces glutamine 4501 with lysine.
Molecular consequence: missense variant.
Genome position (GRCh38, 1-based): chr1:39,379,427, C>A. VCF-style: chr1-39379427-C-A. GRCh37 (hg19) VCF-style: chr1-39845099-C-A.
Other names: c.7315C>A, p.Gln2439Lys (NM_012090.5); short protein forms Q2439K, Q4501K.
Identifiers: ClinVar variation 4540344 (VCV004540344.1).